The following is an entry in ClinVar:

NM_173689.7(CRB2):c.3436G>A (p.Asp1146Asn)

Gene: CRB2 (crumbs cell polarity complex component 2; plus strand). Cytogenetic location: 9q33.3.
Variant type: single nucleotide variant.
Coding change: c.3436G>A on transcript NM_173689.7 (MANE Select); coding-DNA position 3436, G replaced by A.
Protein change: p.Asp1146Asn; replaces aspartic acid 1146 with asparagine.
Molecular consequence: missense variant. On other transcripts: non-coding transcript variant (1).
Genome position (GRCh38, 1-based): chr9:123,374,625, G>A. VCF-style: chr9-123374625-G-A. GRCh37 (hg19) VCF-style: chr9-126136904-G-A.
Other names: short protein forms D1146N.
Identifiers: ClinVar variation 3269424 (VCV003269424.2).

ClinVar aggregate classification (germline): Conflicting classifications of pathogenicity. Review status: criteria provided, conflicting classifications (1 of 4 stars). 2 submissions from 2 submitters: Uncertain significance (1); Likely benign (1). Last evaluated 2025-12-02.

Conditions:
Inborn genetic diseases. Identifiers: MedGen C0950123, MeSH D030342.

Submissions (2):

Women's Health and Genetics/Laboratory Corporation of America, LabCorp
Classification: Uncertain significance. Last evaluated: 2025-12-02. Review status: criteria provided, single submitter. Criteria: LabCorp Variant Classification Summary - May 2015. Collection method: clinical testing. Allele origin: germline.
Comment: Variant summary: CRB2 c.3436G>A (p.Asp1146Asn) results in a conservative amino acid change in the encoded protein sequence. Algorithms developed to predict the effect of missense changes on protein structure and function all suggest that this variant is likely to be tolerated. The variant allele was found at a frequency of 8e-06 in 250562 control chromosomes. The available data on variant occurrences in the general population are insufficient to allow any conclusion about variant significance. To our knowledge, no occurrence of c.3436G>A in individuals affected with CRB2-related conditions and no experimental evidence demonstrating its impact on protein function have been reported. ClinVar contains an entry for this variant (Variation ID: 3269424). Based on the evidence outlined above, the variant was classified as uncertain significance.

Ambry Genetics
Classification: Likely benign for Inborn genetic diseases. Last evaluated: 2024-03-15. Review status: criteria provided, single submitter. Criteria: Ambry Variant Classification Scheme 2023. Collection method: clinical testing. Allele origin: germline.